The following is an entry in ClinVar:

NM_002336.3(LRP6):c.1789G>A (p.Gly597Arg)

Gene: LRP6 (LDL receptor related protein 6; minus strand). Cytogenetic location: 12p13.2.
Variant type: single nucleotide variant.
Coding change: c.1789G>A on transcript NM_002336.3 (MANE Select); coding-DNA position 1789, G replaced by A.
Protein change: p.Gly597Arg; replaces glycine 597 with arginine.
Molecular consequence: missense variant. On other transcripts: non-coding transcript variant (1), intron variant (1).
Genome position (GRCh38, 1-based): chr12:12,164,536, C>T on the plus strand (G>A on the coding strand, the complement: LRP6 is on the minus strand). VCF-style: chr12-12164536-C-T. GRCh37 (hg19) VCF-style: chr12-12317470-C-T.
Other names: c.1789G>A, p.Gly597Arg (NM_001414244.1, NM_001414245.1, NM_001414246.1 and 4 more transcripts); c.1591G>A, p.Gly531Arg (NM_001414247.1); c.1336G>A, p.Gly446Arg (NM_001414252.1, NM_001414253.1, NM_001414254.1); c.1546-2117G>A (NM_001414255.1); short protein forms G531R, G597R, G446R.
Identifiers: ClinVar variation 2994157 (VCV002994157.3), dbSNP rs772203774, ClinGen allele CA6455582.
Genomic context (GRCh38, chr12:12,164,536, plus strand): 5'-CAATAGGGCAAGCACAGCGAAGGCCCTGAGGTCTATAGAGGCAGAGATGGCTACATCCCC[C>T]GTTTTCCTCAGCACAGGGGTTGGAACCTAAAAGATTAATTATAAAAGGGGCACAGAAGGA-3'
Protein context (NP_002327.2, residues 587-607): IGSNPCAEEN[Gly597Arg]GCSHLCLYRP

ClinVar aggregate classification (germline): Uncertain significance (1 of 4 stars; one submission).

Allele frequency attached by ClinVar (database versions not stated): ExAC 0.00001; TOPMed 0.00002; gnomAD 0.00001; gnomAD exomes 0.00001.
gnomAD v4.1: 19 of 1,613,966 alleles (0.0012%); highest among the groups gnomAD compares: Admixed American, 0.017%; no homozygotes.

Submission:

Labcorp Genetics (formerly Invitae), Labcorp
Classification: Uncertain significance. Last evaluated: 2025-02-06. Review status: criteria provided, single submitter. Criteria: Invitae Variant Classification Sherloc (09022015). Collection method: clinical testing. Allele origin: germline.
Comment: This sequence change replaces glycine, which is neutral and non-polar, with arginine, which is basic and polar, at codon 597 of the LRP6 protein (p.Gly597Arg). This variant is present in population databases (rs772203774, gnomAD 0.02%). This variant has not been reported in the literature in individuals affected with LRP6-related conditions. ClinVar contains an entry for this variant (Variation ID: 2994157). Invitae Evidence Modeling of protein sequence and biophysical properties (such as structural, functional, and spatial information, amino acid conservation, physicochemical variation, residue mobility, and thermodynamic stability) indicates that this missense variant is expected to disrupt LRP6 protein function with a positive predictive value of 80%. In summary, the available evidence is currently insufficient to determine the role of this variant in disease. Therefore, it has been classified as a Variant of Uncertain Significance.